The following is an entry in ClinVar:

ClinVar aggregate classification (germline): Uncertain significance. Review status: criteria provided, multiple submitters, no conflicts (2 of 4 stars). 3 submissions from 3 submitters: Uncertain significance (3). Last evaluated 2025-08-03.

Conditions:
Cardiovascular phenotype. Identifiers: MedGen CN230736.
Primary dilated cardiomyopathy (DCM). Also called: Dilated Cardiomyopathy. Identifiers: Orphanet 217604, MedGen C0007193, MeSH D002311, MONDO:0005021, HP:0001644. Inheritance: Various modes of inheritance.

Allele frequency attached by ClinVar (database versions not stated): ExAC 0.00005.
gnomAD v4.1: 13 of 1,614,156 alleles (0.00081%); highest among the groups gnomAD compares: South Asian, 0.0077%; 1 homozygote.

Submissions (3):

Labcorp Genetics (formerly Invitae), Labcorp
Classification: Uncertain significance for Primary dilated cardiomyopathy. Last evaluated: 2025-08-03. Review status: criteria provided, single submitter. Criteria: Invitae Variant Classification Sherloc (09022015). Collection method: clinical testing. Allele origin: germline.
Comment: This sequence change replaces arginine, which is basic and polar, with histidine, which is basic and polar, at codon 144 of the TXNRD2 protein (p.Arg144His). This variant is present in population databases (rs748674090, gnomAD 0.01%). This variant has not been reported in the literature in individuals affected with TXNRD2-related conditions. ClinVar contains an entry for this variant (Variation ID: 263503). Invitae Evidence Modeling of protein sequence and biophysical properties (such as structural, functional, and spatial information, amino acid conservation, physicochemical variation, residue mobility, and thermodynamic stability) indicates that this missense variant is expected to disrupt TXNRD2 protein function with a positive predictive value of 80%. In summary, the available evidence is currently insufficient to determine the role of this variant in disease. Therefore, it has been classified as a Variant of Uncertain Significance.

GeneDx
Classification: Uncertain significance. Last evaluated: 2023-08-22. Review status: criteria provided, single submitter. Criteria: GeneDx Variant Classification Process June 2021. Collection method: clinical testing. Allele origin: germline. Affected: yes.
Comment: Has not been previously published as pathogenic or benign to our knowledge; In silico analysis supports that this missense variant has a deleterious effect on protein structure/function

Ambry Genetics
Classification: Uncertain significance for Cardiovascular phenotype. Last evaluated: 2013-02-13. Review status: criteria provided, single submitter. Criteria: Ambry Autosomal Dominant and X-Linked criteria (10/2015). Collection method: clinical testing. Allele origin: germline. Observed: 1 variant allele.
Comment: There is insufficient or conflicting evidence for classification of this alteration.

NM_006440.5(TXNRD2):c.431G>A (p.Arg144His)

Gene: TXNRD2 (thioredoxin reductase 2; minus strand). Cytogenetic location: 22q11.21.
Variant type: single nucleotide variant.
Coding change: c.431G>A on transcript NM_006440.5 (MANE Select); coding-DNA position 431, G replaced by A.
Protein change: p.Arg144His; replaces arginine 144 with histidine.
Molecular consequence: missense variant. On other transcripts: non-coding transcript variant (1).
Genome position (GRCh38, 1-based): chr22:19,918,161, C>T on the plus strand (G>A on the coding strand, the complement: TXNRD2 is on the minus strand). VCF-style: chr22-19918161-C-T. GRCh37 (hg19) VCF-style: chr22-19905684-C-T.
Other names: c.431G>A, p.Arg144His (NM_001282512.3); c.428G>A, p.Arg143His (NM_001352300.2); c.341G>A, p.Arg114His (NM_001352301.2); c.143G>A, p.Arg48His (NM_001352302.2); c.335G>A, p.Arg112His (NM_001352303.2); short protein forms R144H, R114H, R143H, R112H, R48H.
Identifiers: ClinVar variation 263503 (VCV000263503.14), dbSNP rs748674090, ClinGen allele CA10104210.